The following is an entry in ClinVar:

ClinVar aggregate classification (germline): Pathogenic (1 of 4 stars; one submission).

Conditions:
Bloom syndrome (BLM). Also called: Bloom-Torre-Machacek syndrome. Identifiers: Orphanet 125, MedGen C0005859, MONDO:0008876, OMIM 210900.

Allele frequency attached by ClinVar (database versions not stated): gnomAD exomes below 0.00001.
gnomAD v4.1: 1 of 1,614,226 alleles (0.000062%); highest among the groups gnomAD compares: Non-Finnish European, 0.000085%; no homozygotes.

Submission:

Labcorp Genetics (formerly Invitae), Labcorp
Classification: Pathogenic for Bloom syndrome. Last evaluated: 2023-05-20. Review status: criteria provided, single submitter. Criteria: Invitae Variant Classification Sherloc (09022015). Collection method: clinical testing. Allele origin: germline.
Comment: For these reasons, this variant has been classified as Pathogenic. This variant has not been reported in the literature in individuals affected with BLM-related conditions. This variant is not present in population databases (gnomAD no frequency). This sequence change creates a premature translational stop signal (p.Leu1260*) in the BLM gene. It is expected to result in an absent or disrupted protein product. Loss-of-function variants in BLM are known to be pathogenic (PMID: 17407155).

Literature cited by the submitters: PubMed 17407155.

NM_000057.4(BLM):c.3779T>A (p.Leu1260Ter)

Gene: BLM (BLM RecQ like helicase; plus strand). Cytogenetic location: 15q26.1.
Variant type: single nucleotide variant.
Coding change: c.3779T>A on transcript NM_000057.4 (MANE Select); coding-DNA position 3779, T replaced by A.
Protein change: p.Leu1260Ter; replaces leucine 1260 with a stop codon.
Molecular consequence: nonsense.
Genome position (GRCh38, 1-based): chr15:90,809,164, T>A. VCF-style: chr15-90809164-T-A. GRCh37 (hg19) VCF-style: chr15-91352394-T-A.
Other names: c.3779T>A, p.Leu1260Ter (NM_001287246.2); c.3386T>A, p.Leu1129Ter (NM_001287247.2); c.2654T>A, p.Leu885Ter (NM_001287248.2); short protein forms L1129*, L1260*, L885*.
Identifiers: ClinVar variation 2866269 (VCV002866269.3), dbSNP rs2505561427, ClinGen allele CA393849637.